The following is an entry in ClinVar:

ClinVar aggregate classification (germline): Uncertain significance (1 of 4 stars; one submission).

gnomAD v4.1: 3 of 1,614,036 alleles (0.00019%); highest among the groups gnomAD compares: African/African-American, 0.004%; no homozygotes.

Submission:

Women's Health and Genetics/Laboratory Corporation of America, LabCorp
Classification: Uncertain significance. Last evaluated: 2026-02-05. Review status: criteria provided, single submitter. Criteria: LabCorp Variant Classification Summary - May 2015. Collection method: clinical testing. Allele origin: germline.
Comment: Variant summary: HBB c.163G>A (p.Val55Ile) results in a conservative amino acid change in the encoded protein sequence. Algorithms developed to predict the effect of missense changes on protein structure and function all suggest that this variant is likely to be tolerated. The variant was absent in 251452 control chromosomes. The available data on variant occurrences in the general population are insufficient to allow any conclusion about variant significance. c.163G>A was detected in an unaffected individual during a routine antenatal screen (Williams_2009). To our knowledge, no occurrences in individuals affected with Hemoglobinopathy and no experimental evidence demonstrating an impact on protein function has been reported. The following publication has been ascertained in the context of this evaluation (PMID: 19539497). No submitters have cited clinical-significance assessments for this variant to ClinVar. Based on the evidence outlined above, the variant was classified as uncertain significance.

Literature cited by the submitters: PubMed 19539497.

NM_000518.5(HBB):c.163G>A (p.Val55Ile)

Genes: HBB (hemoglobin subunit beta; minus strand), LOC106099062 (HBB recombination region; plus strand), LOC107133510 (origin of replication at HBB; plus strand). Cytogenetic location: 11p15.4.
Variant type: single nucleotide variant.
Coding change: c.163G>A on transcript NM_000518.5 (MANE Select); coding-DNA position 163, G replaced by A.
Protein change: p.Val55Ile; replaces valine 55 with isoleucine.
Molecular consequence: missense variant.
Genome position (GRCh38, 1-based): chr11:5,226,729, C>T on the plus strand (G>A on the coding strand, the complement: HBB is on the minus strand). VCF-style: chr11-5226729-C-T. GRCh37 (hg19) VCF-style: chr11-5247959-C-T.
Other names: short protein forms V55I.
Identifiers: ClinVar variation 4848014 (VCV004848014.1).